The following is an entry in ClinVar:

NM_005996.4(TBX3):c.1450_1451delinsAA (p.Ala484Asn)

Gene: TBX3 (T-box transcription factor 3; minus strand). Cytogenetic location: 12q24.21.
Variant type: Indel.
Coding change: c.1450_1451delinsAA on transcript NM_005996.4 (MANE Select); coding-DNA positions 1450 to 1451, GC replaced by AA.
Protein change: p.Ala484Asn; replaces alanine 484 with asparagine.
Molecular consequence: missense variant.
Genome position (GRCh38, 1-based): chr12:114,674,424-114,674,425, GC replaced by TT on the plus strand (GC replaced by AA on the coding strand, the reverse complement: TBX3 is on the minus strand). VCF-style: chr12-114674424-GC-TT. GRCh37 (hg19) VCF-style: chr12-115112229-GC-TT.
Other names: c.1510_1511delinsAA, p.Ala504Asn (NM_016569.4); c.1510_1511delinsAA (NM_016569.3); short protein forms A504N, A484N.
Identifiers: ClinVar variation 2040210 (VCV002040210.5), dbSNP rs2499786902, ClinGen allele CA2580085839.

ClinVar aggregate classification (germline): Uncertain significance. Review status: criteria provided, multiple submitters, no conflicts (2 of 4 stars). 2 submissions from 2 submitters: Uncertain significance (2). Last evaluated 2025-07-22.

Conditions:
TBX3-related disorder. Also called: TBX3-related condition.
Ulnar-mammary syndrome (UMS). Also called: Ulnar-mammary syndrome of Pallister; SCHINZEL SYNDROME; PALLISTER ULNAR-MAMMARY SYNDROME. Identifiers: Orphanet 3138, MedGen C1866994, MONDO:0008411, OMIM 181450.

Submissions (2):

PreventionGenetics, part of Exact Sciences
Classification: Uncertain significance for TBX3-related condition. Last evaluated: 2025-07-22. Review status: criteria provided, single submitter. Criteria: ACMG Guidelines, 2015. Collection method: clinical testing. Allele origin: germline.
Comment: The TBX3 c.1510_1511delinsAA variant is predicted to result in an in-frame deletion and insertion. To our knowledge, this variant has not been reported in the literature or in a large population database (gnomAD), indicating this variant is rare. At this time, the clinical significance of this variant is uncertain due to the absence of conclusive functional and genetic evidence.

Labcorp Genetics (formerly Invitae), Labcorp
Classification: Uncertain significance for Ulnar-mammary syndrome. Last evaluated: 2022-09-22. Review status: criteria provided, single submitter. Criteria: Invitae Variant Classification Sherloc (09022015). Collection method: clinical testing. Allele origin: germline.
Comment: In summary, the available evidence is currently insufficient to determine the role of this variant in disease. Therefore, it has been classified as a Variant of Uncertain Significance. Algorithms developed to predict the effect of missense changes on protein structure and function are either unavailable or do not agree on the potential impact of this missense change (SIFT: "Not Available"; PolyPhen-2: "Benign"; Align-GVGD: "Not Available"). This variant has not been reported in the literature in individuals affected with TBX3-related conditions. This variant is present in population databases (no rsID available, gnomAD 0.07%). This sequence change replaces alanine, which is neutral and non-polar, with asparagine, which is neutral and polar, at codon 484 of the TBX3 protein (p.Ala484Asn).